The following is an entry in ClinVar:

ClinVar aggregate classification (germline): Pathogenic. Review status: criteria provided, multiple submitters, no conflicts (2 of 4 stars). 3 submissions from 3 submitters: Pathogenic (3). Last evaluated 2024-03-18.

Conditions:
Joubert syndrome. Also called: CEREBELLOPARENCHYMAL DISORDER IV; JOUBERT-BOLTSHAUSER SYNDROME; Familial aplasia of the vermis. Identifiers: Orphanet 475, MedGen C5979921, MONDO:0018772.
Joubert syndrome 7 (JBTS7). Identifiers: Orphanet 220497, MedGen C1969053, MONDO:0012694, OMIM 611560.

Allele frequency attached by ClinVar (database versions not stated): gnomAD exomes below 0.00001.
gnomAD v4.1: 1 of 1,613,682 alleles (0.000062%); highest among the groups gnomAD compares: Non-Finnish European, 0.000085%; no homozygotes.

Submissions (3):

Natera, Inc.
Classification: Pathogenic for Joubert syndrome. Last evaluated: 2024-03-18. Review status: criteria provided, single submitter. Criteria: Natera Variant Classification Schema (03/2026). Collection method: clinical testing. Allele origin: germline.
Comment: The c.2305-1G>A variant in RPGRIP1L is a canonical splice acceptor site variant predicted to affect pre-mRNA splicing, which may result in an abnormal transcript and altered protein product. This variant is expected to result in nonsense mediated decay, truncation, or a dysfunctional protein product. This variant is rare in the general population with a frequency below the threshold expected for the associated phenotype(s). This variant has been observed in one or more individuals affected with the associated recessive disease, as either homozygous or compound heterozygous with a second variant (PMID: 17558407). Given the available evidence, this variant is classified as Pathogenic.

MVZ Martinsried, Medicover Genetics
Classification: Pathogenic for Joubert syndrome 7. Last evaluated: 2022-03-23. Review status: criteria provided, single submitter. Criteria: ACGS Guidelines, 2020. Collection method: clinical testing. Allele origin: biparental. Affected: yes.

UW Hindbrain Malformation Research Program, University of Washington
Classification: Pathogenic for Joubert syndrome 7. Last evaluated: 2015-02-23. Review status: criteria provided, single submitter. Criteria: Bachmann-Gagescu et al. (J Med Genet. 2015). Collection method: research. Allele origin: unknown. Affected: yes.

Literature cited by the submitters: PubMed 17558407 (cited by Natera, Inc.).

NM_015272.5(RPGRIP1L):c.2305-1G>A

Gene: RPGRIP1L (RPGRIP1 like; minus strand). Cytogenetic location: 16q12.2.
Variant type: single nucleotide variant.
Coding change: c.2305-1G>A on transcript NM_015272.5 (MANE Select); the canonical splice acceptor site of the intron before coding-DNA position 2305, G replaced by A.
Molecular consequence: splice acceptor variant.
Genome position (GRCh38, 1-based): chr16:53,646,004, C>T on the plus strand (G>A on the coding strand, the complement: RPGRIP1L is on the minus strand). VCF-style: chr16-53646004-C-T. GRCh37 (hg19) VCF-style: chr16-53679916-C-T.
Other names: c.2305-1G>A (NM_001127897.4, NM_001330538.2, NM_001308334.3 and 1 more transcripts).
Identifiers: ClinVar variation 217690 (VCV000217690.4), dbSNP rs863225215, ClinGen allele CA279339.